The following is an entry in ClinVar:

NM_001382.4(DPAGT1):c.121C>A (p.Leu41Ile)

Genes: DPAGT1 (dolichyl-phosphate N-acetylglucosaminephosphotransferase 1; minus strand), LOC126861360 (BRD4-independent group 4 enhancer GRCh37_chr11:118972216-118973415; plus strand). Cytogenetic location: 11q23.3.
Variant type: single nucleotide variant.
Coding change: c.121C>A on transcript NM_001382.4 (MANE Select); coding-DNA position 121, C replaced by A.
Protein change: p.Leu41Ile; replaces leucine 41 with isoleucine.
Molecular consequence: missense variant.
Genome position (GRCh38, 1-based): chr11:119,101,535, G>T on the plus strand (C>A on the coding strand, the complement: DPAGT1 is on the minus strand). VCF-style: chr11-119101535-G-T. GRCh37 (hg19) VCF-style: chr11-118972245-G-T.
Other names: short protein forms L41I.
Identifiers: ClinVar variation 2086535 (VCV002086535.4), dbSNP rs757457824, ClinGen allele CA382916619.

ClinVar aggregate classification (germline): Uncertain significance (1 of 4 stars; one submission).

Conditions:
DPAGT1-congenital disorder of glycosylation. Also called: CONGENITAL DISORDER OF GLYCOSYLATION, TYPE Ij; CDG Ij; DPAGT1-CDG. Identifiers: Orphanet 86309, MedGen C2931004, MONDO:0011964, OMIM 608093.
Congenital myasthenic syndrome 13 (CMS13). Also called: Myasthenic syndrome, congenital, with tubular aggregates 2; Myasthenic syndrome, congenital, 13, with tubular aggregates. Identifiers: Orphanet 353327, Orphanet 590, MedGen C3553645, MONDO:0013883, OMIM 614750.

Submission:

Labcorp Genetics (formerly Invitae), Labcorp
Classification: Uncertain significance for Congenital myasthenic syndrome 13; DPAGT1-congenital disorder of glycosylation. Last evaluated: 2022-03-28. Review status: criteria provided, single submitter. Criteria: Invitae Variant Classification Sherloc (09022015). Collection method: clinical testing. Allele origin: germline.
Comment: In summary, the available evidence is currently insufficient to determine the role of this variant in disease. Therefore, it has been classified as a Variant of Uncertain Significance. Algorithms developed to predict the effect of missense changes on protein structure and function (SIFT, PolyPhen-2, Align-GVGD) all suggest that this variant is likely to be tolerated. This variant has not been reported in the literature in individuals affected with DPAGT1-related conditions. This variant is not present in population databases (gnomAD no frequency). This sequence change replaces leucine, which is neutral and non-polar, with isoleucine, which is neutral and non-polar, at codon 41 of the DPAGT1 protein (p.Leu41Ile).